The following is an entry in ClinVar:

NM_201384.3(PLEC):c.12977C>A (p.Thr4326Asn)

Gene: PLEC (plectin; minus strand). Cytogenetic location: 8q24.3.
Variant type: single nucleotide variant.
Coding change: c.12977C>A on transcript NM_201384.3 (MANE Select); coding-DNA position 12977, C replaced by A.
Protein change: p.Thr4326Asn; replaces threonine 4326 with asparagine.
Molecular consequence: missense variant.
Genome position (GRCh38, 1-based): chr8:143,916,844, G>T on the plus strand (C>A on the coding strand, the complement: PLEC is on the minus strand). VCF-style: chr8-143916844-G-T. GRCh37 (hg19) VCF-style: chr8-144991012-G-T.
Other names: c.13058C>A, p.Thr4353Asn (NM_000445.5); c.12935C>A, p.Thr4312Asn (NM_201378.4); c.12911C>A, p.Thr4304Asn (NM_201379.3); c.13388C>A, p.Thr4463Asn (NM_201380.4); c.12881C>A, p.Thr4294Asn (NM_201381.3); c.12977C>A, p.Thr4326Asn (NM_201382.4); c.12989C>A, p.Thr4330Asn (NM_201383.3); short protein forms T4294N, T4304N, T4312N, T4326N, T4330N, T4353N, T4463N.
Identifiers: ClinVar variation 432394 (VCV000432394.2), dbSNP rs1272806541, ClinGen allele CA372477589.
Genomic context (GRCh38, chr8:143,916,844, plus strand): 5'-ACCATGATCTTGTCCACCAGGCCCTTGTTGACGGCGTCGGTGACAGGGAAGCGCTCACCG[G>T]TGCTGGGGTCGATGATGCCCCCGGTGCAGGCCTGCGCCTCCAGCAGCCGCTGCCCCGTGA-3'
Protein context (NP_958786.1, residues 4316-4336): ACTGGIIDPS[Thr4326Asn]GERFPVTDAV

ClinVar aggregate classification (germline): Uncertain significance (1 of 4 stars; one submission).

Allele frequency attached by ClinVar (database versions not stated): gnomAD exomes below 0.00001 and 0.00001; gnomAD 0.00001; TOPMed 0.00001.
gnomAD v4.1: 9 of 1,612,518 alleles (0.00056%); highest among the groups gnomAD compares: Non-Finnish European, 0.00076%; no homozygotes.

Submission:

GeneDx
Classification: Uncertain significance. Last evaluated: 2017-06-09. Review status: criteria provided, single submitter. Criteria: GeneDx Variant Classification (06012015). Collection method: clinical testing. Allele origin: germline. Affected: yes.
Comment: The T4353N variant has not been published as a pathogenic variant, nor has it been reported as a benign variant to our knowledge. The T4353N variant is not observed in large population cohorts (Lek et al., 2016; 1000 Genomes Consortium et al., 2015; Exome Variant Server). This variant is a conservative amino acid substitution, which is not likely to impact secondary protein structure as these residues share similar properties. However, this substitution occurs at a position that is conserved across species, and in silico analysis is inconsistent in its predictions as to whether or not the variant is damaging to the protein structure/function.